The following is an entry in ClinVar:

ClinVar aggregate classification (germline): Conflicting classifications of pathogenicity. Review status: criteria provided, conflicting classifications (1 of 4 stars). 7 submissions from 7 submitters: Uncertain significance (3); Benign (1); Likely benign (2). 1 of the submissions does not count toward it. Last evaluated 2026-07-01.

Conditions:
PROC-related disorder. Also called: PROC-related condition.
Thrombophilia due to protein C deficiency, autosomal dominant. Also called: PROC DEFICIENCY, AUTOSOMAL DOMINANT; PROTEIN C DEFICIENCY, AUTOSOMAL DOMINANT. Identifiers: Orphanet 745, MedGen C2674321, MONDO:0008316, OMIM 176860. Disease mechanism: loss of function.
Thrombophilia due to protein C deficiency, autosomal recessive. Also called: PROC DEFICIENCY, AUTOSOMAL RECESSIVE; PROTEIN C DEFICIENCY, AUTOSOMAL RECESSIVE. Identifiers: Orphanet 745, MedGen C2676759, MONDO:0012860, OMIM 612304.

Allele frequency attached by ClinVar (database versions not stated): gnomAD exomes 0.00022 and 0.00092; ESP Exome Variant Server 0.00038; gnomAD 0.00059; 1000 Genomes Project 0.00060; ExAC 0.00074; 1000 Genomes Project 30x 0.00078; TOPMed 0.00094.
gnomAD v4.1: 409 of 1,613,872 alleles (0.025%); highest among the groups gnomAD compares: Admixed American, 0.58%; 3 homozygotes.

Submissions (7):

CeGaT Center for Human Genetics Tuebingen
Classification: Likely benign. Last evaluated: 2026-07-01. Review status: criteria provided, single submitter. Criteria: CeGaT Center For Human Genetics Tuebingen Variant Classification Criteria Version 2. Collection method: clinical testing. Allele origin: germline. Affected: yes. Observed: 2 variant alleles.
Comment: PROC: BP4, BP7

Labcorp Genetics (formerly Invitae), Labcorp
Classification: Benign for Thrombophilia due to protein C deficiency, autosomal dominant. Last evaluated: 2026-01-22. Review status: criteria provided, single submitter. Criteria: Invitae Variant Classification Sherloc (09022015). Collection method: clinical testing. Allele origin: germline.

Baylor Genetics
Classification: Uncertain significance for Thrombophilia due to protein C deficiency, autosomal recessive. Last evaluated: 2023-09-28. Review status: criteria provided, single submitter. Criteria: ACMG Guidelines, 2015. Collection method: clinical testing. Allele origin: unknown.

Mayo Clinic Laboratories, Mayo Clinic
Classification: Uncertain significance. Last evaluated: 2022-02-22. Review status: criteria provided, single submitter. Criteria: ACMG Guidelines, 2015. Collection method: clinical testing. Allele origin: germline. Observed: 5 variant alleles.

GeneDx
Classification: Likely benign. Last evaluated: 2020-01-03. Review status: criteria provided, single submitter. Criteria: GeneDx Variant Classification Process June 2021. Collection method: clinical testing. Allele origin: germline. Affected: yes.
Comment: See Variant Classification Assertion Criteria.

Illumina Laboratory Services, Illumina
Classification: Uncertain significance for Thrombophilia due to protein C deficiency, autosomal dominant. Last evaluated: 2017-04-27. Review status: criteria provided, single submitter. Criteria: ICSL Variant Classification Criteria 13 December 2019. Collection method: clinical testing. Allele origin: germline.
Comment: This variant was observed as part of a predisposition screen in an ostensibly healthy population. A literature search was performed for the gene, cDNA change, and amino acid change (where applicable). Publications were found based on this search. However, the evidence from the literature, in combination with allele frequency data from public databases where available, was not sufficient to rule this variant in or out of causing disease. Therefore, this variant is classified as a variant of unknown significance.

PreventionGenetics, part of Exact Sciences
Classification: Likely benign for PROC-related condition. Last evaluated: 2019-06-14. Review status: no assertion criteria provided. Collection method: clinical testing. Allele origin: germline. Not counted in ClinVar's aggregate classification.
Comment: This variant is classified as likely benign based on ACMG/AMP sequence variant interpretation guidelines (Richards et al. 2015 PMID: 25741868, with internal and published modifications).

Literature cited by the submitters: PubMed 17152060 (cited by Illumina Laboratory Services, Illumina); PubMed 25525159 (cited by Illumina Laboratory Services, Illumina).

NM_000312.4(PROC):c.30C>T (p.Phe10=)

Gene: PROC (protein C, inactivator of coagulation factors Va and VIIIa; plus strand). Cytogenetic location: 2q14.3.
Variant type: single nucleotide variant.
Coding change: c.30C>T on transcript NM_000312.4 (MANE Select); coding-DNA position 30, C replaced by T.
Protein change: p.Phe10=; no amino-acid change (phenylalanine 10 retained).
Molecular consequence: synonymous variant. On other transcripts: missense variant (1), intron variant (1).
Genome position (GRCh38, 1-based): chr2:127,419,972, C>T. VCF-style: chr2-127419972-C-T. GRCh37 (hg19) VCF-style: chr2-128177548-C-T.
Other names: p.Phe10=; c.213C>T, p.Phe71= (NM_001375602.1); c.93C>T, p.Phe31= (NM_001375603.1, NM_001375604.1, NM_001375606.1); c.30C>T, p.Phe10= (NM_001375605.1, NM_001375608.1, NM_001375610.1 and 2 more transcripts); c.149C>T, p.Ser50Leu (NM_001375607.1); c.47-1311C>T (NM_001375609.1); short protein forms S50L.
Identifiers: ClinVar variation 469121 (VCV000469121.26), dbSNP rs148490199, ClinGen allele CA1859193.
Genomic context (GRCh38, chr2:127,419,972, plus strand): 5'-TCCTCCTCAGACAGGTGCCAGTGCCTCCAGAATGTGGCAGCTCACAAGCCTCCTGCTGTT[C>T]GTGGCCACCTGGGGAATTTCCGGCACACCAGCTCCTCTTGGTAAGGCCACCCCACCCCTA-3'
Protein context (NP_000303.1, residues 1-20): MWQLTSLLL[Phe10=]VATWGISGTP